The following is an entry in ClinVar:

NM_001003699.4(RREB1):c.818A>G (p.Asn273Ser)

Gene: RREB1 (ras responsive element binding protein 1; plus strand). Cytogenetic location: 6p24.3.
Variant type: single nucleotide variant.
Coding change: c.818A>G on transcript NM_001003699.4 (MANE Select); coding-DNA position 818, A replaced by G.
Protein change: p.Asn273Ser; replaces asparagine 273 with serine.
Molecular consequence: missense variant.
Genome position (GRCh38, 1-based): chr6:7,226,577, A>G. VCF-style: chr6-7226577-A-G. GRCh37 (hg19) VCF-style: chr6-7226810-A-G.
Other names: c.818A>G, p.Asn273Ser (NM_001003698.4, NM_001003700.2, NM_001168344.2); short protein forms N273S.
Identifiers: ClinVar variation 4872956 (VCV004872956.2).

ClinVar aggregate classification (germline): Likely benign (1 of 4 stars; one submission).

gnomAD v4.1: 573 of 1,614,070 alleles (0.036%); highest among the groups gnomAD compares: Non-Finnish European, 0.046%; no homozygotes.

Submission:

CeGaT Center for Human Genetics Tuebingen
Classification: Likely benign. Last evaluated: 2026-06-01. Review status: criteria provided, single submitter. Criteria: CeGaT Center For Human Genetics Tuebingen Variant Classification Criteria Version 2. Collection method: clinical testing. Allele origin: germline. Affected: yes. Observed: 1 variant allele.
Comment: RREB1: BP4, BS2